The following is an entry in ClinVar:

ClinVar aggregate classification (germline): Uncertain significance. Review status: criteria provided, multiple submitters, no conflicts (2 of 4 stars). 2 submissions from 2 submitters: Uncertain significance (2). Last evaluated 2025-10-26.

Conditions:
Inborn genetic diseases. Identifiers: MedGen C0950123, MeSH D030342.
Amyotrophic lateral sclerosis type 1 (ALS1). Also called: AMYOTROPHIC LATERAL SCLEROSIS 1, FAMILIAL. Identifiers: Orphanet 803, MedGen C1862939, MONDO:0007103, OMIM 105400.

Allele frequency attached by ClinVar (database versions not stated): gnomAD exomes below 0.00001; TOPMed below 0.00001.

Submissions (2):

Labcorp Genetics (formerly Invitae), Labcorp
Classification: Uncertain significance for Amyotrophic lateral sclerosis type 1. Last evaluated: 2025-10-26. Review status: criteria provided, single submitter. Criteria: Invitae Variant Classification Sherloc (09022015). Collection method: clinical testing. Allele origin: germline.
Comment: This sequence change replaces arginine, which is basic and polar, with glycine, which is neutral and non-polar, at codon 70 of the SOD1 protein (p.Arg70Gly). This variant is present in population databases (no rsID available, gnomAD 0.003%). This missense change has been observed in individual(s) with amyotrophic lateral sclerosis (PMID: 34544842, 36376198, 38886047; internal data). ClinVar contains an entry for this variant (Variation ID: 1414851). An algorithm developed to predict the effect of missense changes on protein structure and function (PolyPhen-2) suggests that this variant is likely to be tolerated. Experimental studies have shown that this missense change affects SOD1 function (PMID: 36376198). In summary, the available evidence is currently insufficient to determine the role of this variant in disease. Therefore, it has been classified as a Variant of Uncertain Significance.

Ambry Genetics
Classification: Uncertain significance for Inborn genetic diseases. Last evaluated: 2025-08-05. Review status: criteria provided, single submitter. Criteria: Ambry Variant Classification Scheme 2023. Collection method: clinical testing. Allele origin: germline.
Comment: The c.208A>G (p.R70G) alteration is located in exon 3 (coding exon 3) of the SOD1 gene. This alteration results from an A to G substitution at nucleotide position 208, causing the arginine (R) at amino acid position 70 to be replaced by a glycine (G). Based on data from gnomAD, the G allele has an overall frequency of <0.001% (1/251050) total alleles studied. The highest observed frequency was 0.003% (1/34550) of Latino alleles. This variant was reported in individual(s) with features consistent with SOD1-related amyotrophic lateral sclerosis (Chen, 2022). This amino acid position is poorly conserved in available vertebrate species. In an assay testing SOD1 function, this variant showed a functionally abnormal result (Chen, 2023). The in silico prediction for this alteration is inconclusive. Based on insufficient or conflicting evidence, the clinical significance of this alteration remains unclear.

Literature cited by the submitters: PubMed 34544842 (cited by Labcorp Genetics (formerly Invitae), Labcorp and Ambry Genetics); PubMed 36376198 (cited by Labcorp Genetics (formerly Invitae), Labcorp and Ambry Genetics); PubMed 38886047 (cited by Labcorp Genetics (formerly Invitae), Labcorp).

NM_000454.5(SOD1):c.208A>G (p.Arg70Gly)

Gene: SOD1 (superoxide dismutase 1; plus strand). Cytogenetic location: 21q22.11.
Variant type: single nucleotide variant.
Coding change: c.208A>G on transcript NM_000454.5 (MANE Select); coding-DNA position 208, A replaced by G.
Protein change: p.Arg70Gly; replaces arginine 70 with glycine.
Molecular consequence: missense variant.
Genome position (GRCh38, 1-based): chr21:31,666,487, A>G. VCF-style: chr21-31666487-A-G. GRCh37 (hg19) VCF-style: chr21-33038800-A-G.
Other names: c.208A>G (NM_000454.4); short protein forms R70G.
Identifiers: ClinVar variation 1414851 (VCV001414851.7), dbSNP rs1457291290, ClinGen allele CA410037282.